The following is an entry in ClinVar:

NM_025114.4(CEP290):c.249T>C (p.Phe83=)

Gene: CEP290 (centrosomal protein 290; minus strand). Cytogenetic location: 12q21.32.
Variant type: single nucleotide variant.
Coding change: c.249T>C on transcript NM_025114.4 (MANE Select); coding-DNA position 249, T replaced by C.
Protein change: p.Phe83=; no amino-acid change (phenylalanine 83 retained).
Molecular consequence: synonymous variant.
Genome position (GRCh38, 1-based): chr12:88,139,496, A>G on the plus strand (T>C on the coding strand, the complement: CEP290 is on the minus strand). VCF-style: chr12-88139496-A-G. GRCh37 (hg19) VCF-style: chr12-88533273-A-G.
Identifiers: ClinVar variation 2007857 (VCV002007857.4), dbSNP rs1357267883, ClinGen allele CA481054754.

ClinVar aggregate classification (germline): Uncertain significance (1 of 4 stars; one submission).

Conditions:
Joubert syndrome. Also called: CEREBELLOPARENCHYMAL DISORDER IV; JOUBERT-BOLTSHAUSER SYNDROME; Familial aplasia of the vermis. Identifiers: Orphanet 475, MedGen C5979921, MONDO:0018772.
Meckel-Gruber syndrome. Also called: DYSENCEPHALIA SPLANCHNOCYSTICA; GRUBER SYNDROME; Dysencephalia splachnocystica. Identifiers: Orphanet 564, MedGen C0265215, MONDO:0018921.
Nephronophthisis. Also called: Juvenile Nephronophthisis. Identifiers: Orphanet 655, MedGen C0687120, MONDO:0019005, HP:0000090.

Allele frequency attached by ClinVar (database versions not stated): gnomAD exomes 0.00001.
gnomAD v4.1: 5 of 1,599,062 alleles (0.00031%); highest among the groups gnomAD compares: South Asian, 0.0057%; no homozygotes.

Submission:

Labcorp Genetics (formerly Invitae), Labcorp
Classification: Uncertain significance for Joubert syndrome; Meckel-Gruber syndrome; Nephronophthisis. Last evaluated: 2022-06-18. Review status: criteria provided, single submitter. Criteria: Invitae Variant Classification Sherloc (09022015). Collection method: clinical testing. Allele origin: germline.
Comment: In summary, the available evidence is currently insufficient to determine the role of this variant in disease. Therefore, it has been classified as a Variant of Uncertain Significance. Algorithms developed to predict the effect of sequence changes on RNA splicing suggest that this variant is not likely to affect RNA splicing. This variant has not been reported in the literature in individuals affected with CEP290-related conditions. This variant is present in population databases (no rsID available, gnomAD 0.01%). This sequence change affects codon 83 of the CEP290 mRNA. It is a 'silent' change, meaning that it does not change the encoded amino acid sequence of the CEP290 protein. It affects a nucleotide within the consensus splice site.